The following is an entry in ClinVar:

NM_152906.7(TANGO2):c.718del (p.Thr240fs)

Gene: TANGO2 (transport and golgi organization 2 homolog; plus strand). Cytogenetic location: 22q11.21.
Variant type: Deletion.
Coding change: c.718del on transcript NM_152906.7 (MANE Select); coding-DNA position 718, one base deleted (A; older notation c.718delA).
Protein change: p.Thr240fs; shifts the reading frame from threonine 240.
Molecular consequence: frameshift variant. On other transcripts: 3 prime UTR variant (1), non-coding transcript variant (5).
Genome position (GRCh38, 1-based): chr22:20,064,549, A deleted. VCF-style (leftmost placement, unchanged base first): chr22-20064548-CA-C. GRCh37 (hg19) VCF-style: chr22-20052071-CA-C.
Other names: c.718del, p.Thr240fs (NM_001283106.3, NM_001283116.3); c.841del, p.Thr281fs (NM_001283129.3, NM_001322143.2); c.716del, p.His239fs (NM_001283148.3, NM_001283154.3); c.532del, p.Thr178fs (NM_001283179.3, NM_001283186.3, NM_001322163.2 and 2 more transcripts); c.493del, p.Thr165fs (NM_001283199.3); c.582del, p.Leu195fs (NM_001283215.3); c.424del, p.Thr142fs (NM_001283235.3, NM_001322171.2, NM_001322172.2 and 3 more transcripts); c.*54del (NM_001283248.3); and 9 more; short protein forms T333fs, H177fs, T142fs, T165fs, T194fs, T206fs, T292fs, H205fs.
Identifiers: ClinVar variation 2859970 (VCV002859970.3), dbSNP rs2489226615, ClinGen allele CA2739265643.

ClinVar aggregate classification (germline): Uncertain significance (1 of 4 stars; one submission).

Submission:

Labcorp Genetics (formerly Invitae), Labcorp
Classification: Uncertain significance. Last evaluated: 2023-04-28. Review status: criteria provided, single submitter. Criteria: Invitae Variant Classification Sherloc (09022015). Collection method: clinical testing. Allele origin: germline.
Comment: In summary, the available evidence is currently insufficient to determine the role of this variant in disease. Therefore, it has been classified as a Variant of Uncertain Significance. This variant has not been reported in the literature in individuals affected with TANGO2-related conditions. This variant is not present in population databases (gnomAD no frequency). This sequence change creates a premature translational stop signal (p.Thr240Leufs*5) in the TANGO2 gene. While this is not anticipated to result in nonsense mediated decay, it is expected to disrupt the last 37 amino acid(s) of the TANGO2 protein.